The following is an entry in ClinVar:

NM_006231.4(POLE):c.1351C>T (p.Gln451Ter)

Gene: POLE (DNA polymerase epsilon, catalytic subunit; minus strand). Cytogenetic location: 12q24.33.
Variant type: single nucleotide variant.
Coding change: c.1351C>T on transcript NM_006231.4 (MANE Select); coding-DNA position 1351, C replaced by T.
Protein change: p.Gln451Ter; replaces glutamine 451 with a stop codon.
Molecular consequence: nonsense.
Genome position (GRCh38, 1-based): chr12:132,673,583, G>A on the plus strand (C>T on the coding strand, the complement: POLE is on the minus strand). VCF-style: chr12-132673583-G-A. GRCh37 (hg19) VCF-style: chr12-133250169-G-A.
Other names: short protein forms Q451*.
Identifiers: ClinVar variation 660660 (VCV000660660.10), dbSNP rs1593073030, ClinGen allele CA387359104.

ClinVar aggregate classification (germline): Pathogenic (1 of 4 stars; one submission).

Allele frequency attached by ClinVar (database versions not stated): gnomAD exomes below 0.00001.
gnomAD v4.1: 1 of 1,612,230 alleles (0.000062%); highest among the groups gnomAD compares: Non-Finnish European, 0.000085%; no homozygotes.

Submission:

Labcorp Genetics (formerly Invitae), Labcorp
Classification: Pathogenic. Last evaluated: 2025-02-19. Review status: criteria provided, single submitter. Criteria: Invitae Variant Classification Sherloc (09022015). Collection method: clinical testing. Allele origin: germline.
Comment: This sequence change creates a premature translational stop signal (p.Gln451*) in the POLE gene. It is expected to result in an absent or disrupted protein product. Loss-of-function variants in POLE are known to be pathogenic (PMID: 23230001, 25948378, 30503519). This variant is not present in population databases (gnomAD no frequency). This variant has not been reported in the literature in individuals affected with POLE-related conditions. ClinVar contains an entry for this variant (Variation ID: 660660). For these reasons, this variant has been classified as Pathogenic.

Literature cited by the submitters: PubMed 23230001; PubMed 25948378; PubMed 30503519.